The following is an entry in ClinVar:

NM_000180.4(GUCY2D):c.1555A>C (p.Thr519Pro)

Gene: GUCY2D (guanylate cyclase 2D, retinal; plus strand). Cytogenetic location: 17p13.1.
Variant type: single nucleotide variant.
Coding change: c.1555A>C on transcript NM_000180.4 (MANE Select); coding-DNA position 1555, A replaced by C.
Protein change: p.Thr519Pro; replaces threonine 519 with proline.
Molecular consequence: missense variant.
Genome position (GRCh38, 1-based): chr17:8,007,517, A>C. VCF-style: chr17-8007517-A-C. GRCh37 (hg19) VCF-style: chr17-7910835-A-C.
Other names: short protein forms T519P.
Identifiers: ClinVar variation 1062300 (VCV001062300.6), dbSNP rs1198818689, ClinGen allele CA397949415.

ClinVar aggregate classification (germline): Uncertain significance (1 of 4 stars; one submission).

Conditions:
Leber congenital amaurosis 1 (LCA1). Also called: AMAUROSIS CONGENITA OF LEBER I; RETINAL BLINDNESS, CONGENITAL; Congenital absence of the rods and cones; Leber's congenital tapetoretinal degeneration; Leber's congenital tapetoretinal dysplasia. Identifiers: Orphanet 65, MedGen C2931258, MONDO:0008764, OMIM 204000.
Cone-rod dystrophy 6 (CORD6). Also called: RETINAL CONE DYSTROPHY 2; Cone dystrophy progressive. Identifiers: Orphanet 1872, MedGen C1866293, MONDO:0011143, OMIM 601777.

Allele frequency attached by ClinVar (database versions not stated): gnomAD 0.00001; gnomAD exomes below 0.00001.
gnomAD v4.1: 3 of 1,599,986 alleles (0.00019%); highest among the groups gnomAD compares: Non-Finnish European, 0.00026%; no homozygotes.

Submission:

Labcorp Genetics (formerly Invitae), Labcorp
Classification: Uncertain significance for Leber congenital amaurosis 1; Cone-rod dystrophy 6. Last evaluated: 2021-09-01. Review status: criteria provided, single submitter. Criteria: Invitae Variant Classification Sherloc (09022015). Collection method: clinical testing. Allele origin: germline.
Comment: This sequence change replaces threonine with proline at codon 519 of the GUCY2D protein (p.Thr519Pro). The threonine residue is weakly conserved and there is a small physicochemical difference between threonine and proline. This variant is not present in population databases (ExAC no frequency). This variant has not been reported in the literature in individuals affected with GUCY2D-related conditions. Algorithms developed to predict the effect of missense changes on protein structure and function are either unavailable or do not agree on the potential impact of this missense change (SIFT: "Deleterious"; PolyPhen-2: "Benign"; Align-GVGD: "Class C0"). In summary, the available evidence is currently insufficient to determine the role of this variant in disease. Therefore, it has been classified as a Variant of Uncertain Significance.